The following is an entry in ClinVar:

ClinVar aggregate classification (germline): Benign/Likely benign. Review status: criteria provided, multiple submitters, no conflicts (2 of 4 stars). 4 submissions from 4 submitters: Benign (2); Likely benign (1). 1 of the submissions does not count toward it. Last evaluated 2026-01-20.

Conditions:
OTOGL-related disorder. Also called: OTOGL-related condition.
Inborn genetic diseases. Identifiers: MedGen C0950123, MeSH D030342.

Allele frequency attached by ClinVar (database versions not stated): gnomAD below 0.00001 and 0.00023; TOPMed 0.00003; gnomAD exomes 0.00037 and 0.00086; ExAC 0.00117; 1000 Genomes Project 30x 0.00265; 1000 Genomes Project 0.00280.
gnomAD v4.1: 590 of 1,612,214 alleles (0.037%); highest among the groups gnomAD compares: South Asian, 0.6%; 8 homozygotes.

Submissions (4):

Labcorp Genetics (formerly Invitae), Labcorp
Classification: Benign. Last evaluated: 2026-01-20. Review status: criteria provided, single submitter. Criteria: Invitae Variant Classification Sherloc (09022015). Collection method: clinical testing. Allele origin: germline.

Ambry Genetics
Classification: Likely benign for Inborn genetic diseases. Last evaluated: 2025-05-18. Review status: criteria provided, single submitter. Criteria: Ambry Variant Classification Scheme 2023. Collection method: clinical testing. Allele origin: germline.

Laboratory for Molecular Medicine, Mass General Brigham Personalized Medicine
Classification: Benign. Last evaluated: 2016-01-27. Review status: criteria provided, single submitter. Criteria: LMM Criteria. Collection method: clinical testing. Allele origin: germline. Observed: 1 variant allele.
Comment: p.His2010Asn in exon 49 of OTOGL: This variant is not expected to have clinical significance because it has been identified in 0.84% (116/13756) of South Asian chromosomes by the Exome Aggregation Consortium (ExAC; dbSNP rs201869161).

PreventionGenetics, part of Exact Sciences
Classification: Likely benign for OTOGL-related condition. Last evaluated: 2024-04-03. Review status: no assertion criteria provided. Collection method: clinical testing. Allele origin: germline. Not counted in ClinVar's aggregate classification.
Comment: This variant is classified as likely benign based on ACMG/AMP sequence variant interpretation guidelines (Richards et al. 2015 PMID: 25741868, with internal and published modifications).

NM_001378609.3(OTOGL):c.6055C>A (p.His2019Asn)

Gene: OTOGL (otogelin like; plus strand). Cytogenetic location: 12q21.31.
Variant type: single nucleotide variant.
Coding change: c.6055C>A on transcript NM_001378609.3 (MANE Select); coding-DNA position 6055, C replaced by A.
Protein change: p.His2019Asn; replaces histidine 2019 with asparagine.
Molecular consequence: missense variant.
Genome position (GRCh38, 1-based): chr12:80,358,283, C>A. VCF-style: chr12-80358283-C-A. GRCh37 (hg19) VCF-style: chr12-80752063-C-A.
Other names: c.5920C>A, p.His1974Asn (NM_001368062.3); c.6055C>A, p.His2019Asn (NM_001378610.3, NM_173591.7); short protein forms H2010N, H1974N, H2019N.
Identifiers: ClinVar variation 226963 (VCV000226963.15), dbSNP rs201869161, ClinGen allele CA6701901.